The following is an entry in ClinVar:

NM_194248.3(OTOF):c.3289-2A>C

Gene: OTOF (otoferlin; minus strand). Cytogenetic location: 2p23.3.
Variant type: single nucleotide variant.
Coding change: c.3289-2A>C on transcript NM_194248.3 (MANE Select); the canonical splice acceptor site of the intron before coding-DNA position 3289, A replaced by C.
Molecular consequence: splice acceptor variant.
Genome position (GRCh38, 1-based): chr2:26,474,112, T>G on the plus strand (A>C on the coding strand, the complement: OTOF is on the minus strand). VCF-style: chr2-26474112-T-G. GRCh37 (hg19) VCF-style: chr2-26696980-T-G.
Other names: c.3289-2A>C (NM_001287489.2); c.1048-2A>C (NM_194323.3, NM_004802.4); c.1219-2A>C (NM_194322.3).
Identifiers: ClinVar variation 3767324 (VCV003767324.1).
Genomic context (GRCh38, chr2:26,474,112, plus strand): 5'-CGGTCCACGTCCACCGGGCCATTGATGGGGGGCAGGTCAGCCTTCCCTGCTGGTCCAATC[T>G]GGGGAATGGGGGTCACAGGTCACACACTGGGGAGCCCAGGGACAGGGTCTCTTTCCCCAT-3'

ClinVar aggregate classification (germline): Pathogenic (1 of 4 stars; one submission).

Conditions:
Autosomal recessive nonsyndromic hearing loss 9. Also called: OTOF-Related Hearing Loss; Deafness, autosomal recessive 9; NEUROSENSORY NONSYNDROMIC RECESSIVE DEAFNESS 9; AUDITORY NEUROPATHY, AUTOSOMAL RECESSIVE, 1, TEMPERATURE-SENSITIVE. Identifiers: Orphanet 90636, MedGen C1832828, MONDO:0010986, OMIM 601071.

Submission:

Wonkam Laboratory, Johns Hopkins University
Classification: Pathogenic for Autosomal recessive nonsyndromic hearing loss 9. Last evaluated: 2024-01-06. Review status: criteria provided, single submitter. Criteria: ACMG Guidelines, 2015. Collection method: research. Allele origin: germline. Inheritance: Autosomal recessive inheritance. Affected: yes. Observed: 2 variant alleles.
Comment: This variant OTOF c.1048-2A>C (NM_004802.3) is predicted to dirupt the +- splice sites in a gene where LOF is a known mechanism of disease (PVS1), Absent from controls (or at extremely low frequency if recessive) in Exome Sequencing Project, 1000 Genomes Project, or Exome Aggregation Consortium (PM2).